The following is an entry in ClinVar:

NM_005802.5(TOPORS):c.1456C>T (p.Pro486Ser)

Gene: TOPORS (TOP1 binding arginine/serine rich protein, E3 ubiquitin ligase; minus strand). Cytogenetic location: 9p21.1.
Variant type: single nucleotide variant.
Coding change: c.1456C>T on transcript NM_005802.5 (MANE Select); coding-DNA position 1456, C replaced by T.
Protein change: p.Pro486Ser; replaces proline 486 with serine.
Molecular consequence: missense variant.
Genome position (GRCh38, 1-based): chr9:32,543,069, G>A on the plus strand (C>T on the coding strand, the complement: TOPORS is on the minus strand). VCF-style: chr9-32543069-G-A. GRCh37 (hg19) VCF-style: chr9-32543067-G-A.
Other names: c.1261C>T, p.Pro421Ser (NM_001195622.2); short protein forms P421S, P486S.
Identifiers: ClinVar variation 2055425 (VCV002055425.4), dbSNP rs766614573, ClinGen allele CA373169963.

ClinVar aggregate classification (germline): Uncertain significance (1 of 4 stars; one submission).

Submission:

Labcorp Genetics (formerly Invitae), Labcorp
Classification: Uncertain significance. Last evaluated: 2022-03-26. Review status: criteria provided, single submitter. Criteria: Invitae Variant Classification Sherloc (09022015). Collection method: clinical testing. Allele origin: germline.
Comment: In summary, the available evidence is currently insufficient to determine the role of this variant in disease. Therefore, it has been classified as a Variant of Uncertain Significance. Algorithms developed to predict the effect of missense changes on protein structure and function are either unavailable or do not agree on the potential impact of this missense change (SIFT: "Deleterious"; PolyPhen-2: "Possibly Damaging"; Align-GVGD: "Class C0"). This variant has not been reported in the literature in individuals affected with TOPORS-related conditions. This variant is not present in population databases (gnomAD no frequency). This sequence change replaces proline, which is neutral and non-polar, with serine, which is neutral and polar, at codon 486 of the TOPORS protein (p.Pro486Ser).